The following is an entry in ClinVar:

ClinVar aggregate classification (germline): Uncertain significance. Review status: criteria provided, multiple submitters, no conflicts (2 of 4 stars). 2 submissions from 2 submitters: Uncertain significance (2). Last evaluated 2024-03-28.

Conditions:
Inborn genetic diseases. Identifiers: MedGen C0950123, MeSH D030342.

Allele frequency attached by ClinVar (database versions not stated): gnomAD 0.00002; TOPMed 0.00002; ExAC 0.00005.
gnomAD v4.1: 8 of 1,581,670 alleles (0.00051%); highest among the groups gnomAD compares: African/African-American, 0.0027%; no homozygotes.

Submissions (2):

Ambry Genetics
Classification: Uncertain significance for Inborn genetic diseases. Last evaluated: 2024-03-28. Review status: criteria provided, single submitter. Criteria: Ambry Variant Classification Scheme 2023. Collection method: clinical testing. Allele origin: germline.

Labcorp Genetics (formerly Invitae), Labcorp
Classification: Uncertain significance. Last evaluated: 2023-05-20. Review status: criteria provided, single submitter. Criteria: Invitae Variant Classification Sherloc (09022015). Collection method: clinical testing. Allele origin: germline.
Comment: In summary, the available evidence is currently insufficient to determine the role of this variant in disease. Therefore, it has been classified as a Variant of Uncertain Significance. Advanced modeling of protein sequence and biophysical properties (such as structural, functional, and spatial information, amino acid conservation, physicochemical variation, residue mobility, and thermodynamic stability) has been performed at Invitae for this missense variant, however the output from this modeling did not meet the statistical confidence thresholds required to predict the impact of this variant on KMT2B protein function. This variant has not been reported in the literature in individuals affected with KMT2B-related conditions. The frequency data for this variant in the population databases is considered unreliable, as metrics indicate poor data quality at this position in the gnomAD database. This sequence change replaces arginine, which is basic and polar, with cysteine, which is neutral and slightly polar, at codon 1290 of the KMT2B protein (p.Arg1290Cys).

NM_014727.3(KMT2B):c.3868C>T (p.Arg1290Cys)

Gene: KMT2B (lysine methyltransferase 2B; plus strand). Cytogenetic location: 19q13.12.
Variant type: single nucleotide variant.
Coding change: c.3868C>T on transcript NM_014727.3 (MANE Select); coding-DNA position 3868, C replaced by T.
Protein change: p.Arg1290Cys; replaces arginine 1290 with cysteine.
Molecular consequence: missense variant.
Genome position (GRCh38, 1-based): chr19:35,725,801, C>T. VCF-style: chr19-35725801-C-T. GRCh37 (hg19) VCF-style: chr19-36216702-C-T.
Other names: c.3868C>T (NM_014727.1); short protein forms R1290C.
Identifiers: ClinVar variation 2961348 (VCV002961348.4), dbSNP rs748120825, ClinGen allele CA9384893.
Genomic context (GRCh38, chr19:35,725,801, plus strand): 5'-CGCTGCCGCCATGCATACCACCCGGCCTGTCTGGGGCCCAGCTATCCAACCCGGGCCACG[C>T]GCAAACGGCGCCACTGGGTGAGAGATGAGGTTCACCCACTTGCTTTGTCTCTAATGAATA-3'
Protein context (NP_055542.1, residues 1280-1300): LGPSYPTRAT[Arg1290Cys]KRRHWICSAC